The following is an entry in ClinVar:

NM_001009944.3(PKD1):c.6040C>T (p.Gln2014Ter)

Gene: PKD1 (polycystin 1, transient receptor potential channel interacting; minus strand). Cytogenetic location: 16p13.3.
Variant type: single nucleotide variant.
Coding change: c.6040C>T on transcript NM_001009944.3 (MANE Select); coding-DNA position 6040, C replaced by T.
Protein change: p.Gln2014Ter; replaces glutamine 2014 with a stop codon.
Molecular consequence: nonsense.
Genome position (GRCh38, 1-based): chr16:2,109,127, G>A on the plus strand (C>T on the coding strand, the complement: PKD1 is on the minus strand). VCF-style: chr16-2109127-G-A. GRCh37 (hg19) VCF-style: chr16-2159128-G-A.
Other names: c.6040C>T (NM_000296.3); c.6040C>T, p.Gln2014Ter (NM_000296.4); short protein forms Q2014*.
Identifiers: ClinVar variation 1253802 (VCV001253802.8), dbSNP rs2151790199, ClinGen allele CA394374605.

ClinVar aggregate classification (germline): Pathogenic. Review status: criteria provided, multiple submitters, no conflicts (2 of 4 stars). 6 submissions from 6 submitters: Pathogenic (6). Last evaluated 2025-06-13.

Conditions:
Inborn genetic diseases. Identifiers: MedGen C0950123, MeSH D030342.
Polycystic kidney disease, adult type (PKD1). Also called: Polycystic Kidney, Autosomal Dominant; POLYCYSTIC KIDNEY DISEASE, ADULT, TYPE I; Polycystic Kidney Disease 1, Autosomal Dominant; Polycystic kidney disease 1; Polycystic kidney disease 1, severe; POLYCYSTIC KIDNEY DISEASE 1 WITH OR WITHOUT POLYCYSTIC LIVER DISEASE. Identifiers: MedGen C3149841, MONDO:0008263, OMIM 173900.
PKD1-related disorder. Also called: PKD1-related condition.

Submissions (6):

Ambry Genetics
Classification: Pathogenic for Inborn genetic diseases. Last evaluated: 2025-06-13. Review status: criteria provided, single submitter. Criteria: Ambry Variant Classification Scheme 2023. Collection method: clinical testing. Allele origin: germline.
Comment: The c.6040C>T (p.Q2014*) alteration, located in exon 15 (coding exon 15) of the PKD1 gene, consists of a C to T substitution at nucleotide position 6040. This changes the amino acid from a glutamine (Q) to a stop codon at amino acid position 2014. This alteration is expected to result in loss of function by premature protein truncation or nonsense-mediated mRNA decay. This variant was not reported in population-based cohorts in the Genome Aggregation Database (gnomAD). This variant was reported in individuals with features consistent with PKD1-related polycystic kidney disease (Lindemann, 2023; Yu, 2022; Hu, 2021; Mantovani, 2020; Audr&eacute;zet, 2012; Inoue, 2002). Based on the available evidence, this alteration is classified as pathogenic.

Fulgent Genetics
Classification: Pathogenic for Polycystic kidney disease, adult type. Last evaluated: 2024-04-20. Review status: criteria provided, single submitter. Criteria: ACMG Guidelines, 2015. Collection method: clinical testing. Allele origin: germline.

Blueprint Genetics
Classification: Pathogenic for PKD1-related disorders. Last evaluated: 2023-09-25. Review status: criteria provided, single submitter. Criteria: ACMG Guidelines, 2015. Collection method: clinical testing. Allele origin: germline. Affected: yes. Observed: 2 variant alleles.

PreventionGenetics, part of Exact Sciences
Classification: Pathogenic for PKD1-related condition. Last evaluated: 2023-07-26. Review status: criteria provided, single submitter. Criteria: ACMG Guidelines, 2015. Collection method: clinical testing. Allele origin: germline.
Comment: The PKD1 c.6040C>T variant is predicted to result in premature protein termination (p.Gln2014*). This variant has been reported in an individual with autosomal dominant polycystic kidney disease (Inoue et al 2002. PubMed ID: 12007219). This variant has not been reported in a large population database, indicating this variant is rare. Nonsense variants in PKD1 are expected to be pathogenic. This variant is interpreted as pathogenic.

GeneDx
Classification: Pathogenic. Last evaluated: 2021-08-26. Review status: criteria provided, single submitter. Criteria: GeneDx Variant Classification Process June 2021. Collection method: clinical testing. Allele origin: germline. Affected: yes.
Comment: Nonsense variant predicted to result in protein truncation or nonsense mediated decay in a gene for which loss-of-function is a known mechanism of disease; Not observed in large population cohorts (Lek et al., 2016); This variant is associated with the following publications: (PMID: 34032358, 12007219, 22508176, 25525159)

Juno Genomics, Hangzhou Juno Genomics, Inc
Classification: Pathogenic for Polycystic kidney disease, adult type. Review status: criteria provided, single submitter. Criteria: ACMG Guidelines, 2015. Collection method: clinical testing. Allele origin: germline. Affected: yes.
Comment: Absent from controls (or at extremely low frequency if recessive) in Genome Aggregation Database, Exome Sequencing Project, 1000 Genomes Project, or Exome Aggregation Consortium.;Null variant in a gene where loss of function (LOF) is a known mechanism of disease.;The prevalence of the variant in affected individuals is significantly increased compared to the prevalence in controls.;Patient's phenotype or family history is highly specific for a disease with a single genetic etiology.

Literature cited by the submitters: PubMed 12007219 (cited by Ambry Genetics); PubMed 22508176 (cited by Ambry Genetics); PubMed 32457805 (cited by Ambry Genetics); PubMed 34032358 (cited by Ambry Genetics); PubMed 35778421 (cited by Ambry Genetics); PubMed 36938073 (cited by Ambry Genetics).